The following is an entry in ClinVar:

NM_006295.3(VARS1):c.2175G>C (p.Leu725=)

Gene: VARS1 (valyl-tRNA synthetase 1; minus strand). Cytogenetic location: 6p21.33.
Variant type: single nucleotide variant.
Coding change: c.2175G>C on transcript NM_006295.3 (MANE Select); coding-DNA position 2175, G replaced by C.
Protein change: p.Leu725=; no amino-acid change (leucine 725 retained).
Molecular consequence: synonymous variant.
Genome position (GRCh38, 1-based): chr6:31,782,153, C>G on the plus strand (G>C on the coding strand, the complement: VARS1 is on the minus strand). VCF-style: chr6-31782153-C-G. GRCh37 (hg19) VCF-style: chr6-31749930-C-G.
Identifiers: ClinVar variation 4687767 (VCV004687767.1).

ClinVar aggregate classification (germline): Uncertain significance (1 of 4 stars; one submission).

Submission:

Women's Health and Genetics/Laboratory Corporation of America, LabCorp
Classification: Uncertain significance. Last evaluated: 2025-10-24. Review status: criteria provided, single submitter. Criteria: LabCorp Variant Classification Summary - May 2015. Collection method: clinical testing. Allele origin: germline.
Comment: Variant summary: VARS1 c.2175G>C alters a conserved nucleotide resulting in a synonymous change. Several computational tools predict a significant impact on normal splicing: Two predict the variant creates a 5' donor site. One predict the variant strengthens a cryptic 5' donor site. However, these predictions have yet to be confirmed by functional studies. The variant was absent in 250716 control chromosomes. The available data on variant occurrences in the general population are insufficient to allow any conclusion about variant significance. c.2175G>C has been observed as a mosaic change in an individual affected with Autism Spectrum Disorder (Krupp_2021). These report(s) do not provide unequivocal conclusions about association of the variant with Neurodevelopmental Disorder With Microcephaly, Seizures, And Cortical Atrophy. To our knowledge, no experimental evidence demonstrating an impact on protein function has been reported. The following publication have been ascertained in the context of this evaluation (PMID: 28867142). No submitters have cited clinical-significance assessments for this variant to ClinVar. Based on the evidence outlined above, the variant was classified as uncertain significance.

Literature cited by the submitters: PubMed 28867142.